The following is an entry in ClinVar:

ClinVar aggregate classification (germline): Uncertain significance (1 of 4 stars; one submission).

Conditions:
DICER1-related tumor predisposition. Also called: DICER1-related pleuropulmonary blastoma cancer predisposition syndrome; DICER1 syndrome. Identifiers: Orphanet 284343, MedGen C3839822, MONDO:0100216.

Submission:

Labcorp Genetics (formerly Invitae), Labcorp
Classification: Uncertain significance for DICER1-related tumor predisposition. Last evaluated: 2023-04-19. Review status: criteria provided, single submitter. Criteria: Invitae Variant Classification Sherloc (09022015). Collection method: clinical testing. Allele origin: germline.
Comment: In summary, the available evidence is currently insufficient to determine the role of this variant in disease. Therefore, it has been classified as a Variant of Uncertain Significance. This variant has not been reported in the literature in individuals affected with DICER1-related conditions. This variant is not present in population databases (gnomAD no frequency). This sequence change disrupts the translational stop signal of the DICER1 mRNA. It is expected to extend the length of the DICER1 protein by 21 additional amino acid residues.

NM_177438.3(DICER1):c.5767T>C (p.Ter1923Arg)

Gene: DICER1 (dicer 1, ribonuclease III; minus strand). Cytogenetic location: 14q32.13.
Variant type: single nucleotide variant.
Coding change: c.5767T>C on transcript NM_177438.3 (MANE Select); coding-DNA position 5767, T replaced by C.
Protein change: p.Ter1923Arg.
Molecular consequence: stop lost. On other transcripts: 3 prime UTR variant (1), non-coding transcript variant (4).
Genome position (GRCh38, 1-based): chr14:95,090,500, A>G on the plus strand (T>C on the coding strand, the complement: DICER1 is on the minus strand). VCF-style: chr14-95090500-A-G. GRCh37 (hg19) VCF-style: chr14-95556837-A-G.
Other names: c.*114T>C (NM_001195573.1); c.5767T>C, p.Ter1923Arg (NM_001271282.3, NM_001291628.2, NM_001395677.1 and 8 more transcripts); c.5485T>C, p.Ter1829Arg (NM_001395686.1); c.5362T>C, p.Ter1788Arg (NM_001395687.1, NM_001395688.1, NM_001395689.1 and 1 more transcripts); c.5200T>C, p.Ter1734Arg (NM_001395691.1); c.4084T>C, p.Ter1362Arg (NM_001395697.1).
Identifiers: ClinVar variation 2857595 (VCV002857595.3), dbSNP rs2542389237, ClinGen allele CA390862822.